The following is an entry in ClinVar:

NM_001292063.2(OTOG):c.54_78del (p.Trp18fs)

Gene: OTOG (otogelin; plus strand). Cytogenetic location: 11p15.1.
Variant type: Deletion.
Coding change: c.54_78del on transcript NM_001292063.2 (MANE Select); coding-DNA positions 54 to 78, 25 bases deleted (GGGTGAGCAGGCAGCCGAGTCCCTG).
Protein change: p.Trp18fs; shifts the reading frame from tryptophan 18.
Molecular consequence: frameshift variant.
Genome position (GRCh38, 1-based): chr11:17,547,426-17,547,450, GGGTGAGCAGGCAGCCGAGTCCCTG deleted; deleting any 25 consecutive bases within chr11:17,547,421-17,547,450 gives the same sequence; the c. name uses the placement nearest the transcript's 3' end. VCF-style (leftmost placement, unchanged base first): chr11-17547420-GCCCTGGGGTGAGCAGGCAGCCGAGT-G. GRCh37 (hg19) VCF-style: chr11-17568967-GCCCTGGGGTGAGCAGGCAGCCGAGT-G.
Other names: c.54_78del, p.Trp18fs (NM_001277269.2); short protein forms W18fs.
Identifiers: ClinVar variation 3391580 (VCV003391580.1).
Genomic context (GRCh38, chr11:17,547,420, plus strand): 5'-CCCTCGTGTCCCTATGGGAGTCCTGGCGTCTGCGCTCTGCTGGCTGCTTTGTGTCTGGCT[GCCCTGGGGTGAGCAGGCAGCCGAGT>G]CCCTGCGGGTGCAGCGCCTCGGTGAGAGGGTTGTGGACTCAGGGAGGTCGGGGGCTCGAG-3'

ClinVar aggregate classification (germline): Uncertain significance (1 of 4 stars; one submission).

Submission:

GeneDx
Classification: Uncertain significance. Last evaluated: 2024-06-18. Review status: criteria provided, single submitter. Criteria: GeneDx Variant Classification Process June 2021. Collection method: clinical testing. Allele origin: germline. Affected: yes.
Comment: Frameshift variant predicted to result in protein truncation or nonsense mediated decay in a gene for which loss of function is a known mechanism of disease; Has not been previously published as pathogenic or benign to our knowledge